The following is an entry in ClinVar:

NM_201384.3(PLEC):c.13205C>T (p.Thr4402Met)

Gene: PLEC (plectin; minus strand). Cytogenetic location: 8q24.3.
Variant type: single nucleotide variant.
Coding change: c.13205C>T on transcript NM_201384.3 (MANE Select); coding-DNA position 13205, C replaced by T.
Protein change: p.Thr4402Met; replaces threonine 4402 with methionine.
Molecular consequence: missense variant.
Genome position (GRCh38, 1-based): chr8:143,916,616, G>A on the plus strand (C>T on the coding strand, the complement: PLEC is on the minus strand). VCF-style: chr8-143916616-G-A. GRCh37 (hg19) VCF-style: chr8-144990784-G-A.
Other names: p.Thr4388Met; c.13286C>T, p.Thr4429Met (NM_000445.5); c.13163C>T, p.Thr4388Met (NM_201378.4); c.13139C>T, p.Thr4380Met (NM_201379.3); c.13616C>T, p.Thr4539Met (NM_201380.4); c.13109C>T, p.Thr4370Met (NM_201381.3); c.13205C>T, p.Thr4402Met (NM_201382.4); c.13217C>T, p.Thr4406Met (NM_201383.3); short protein forms T4370M, T4380M, T4388M, T4402M, T4406M, T4429M, T4539M.
Identifiers: ClinVar variation 129931 (VCV000129931.52), dbSNP rs113513807, ClinGen allele CA154425.
Genomic context (GRCh38, chr8:143,916,616, plus strand): 5'-GCGGTGCGGGCGTCCACCGTGCCGCGCTGCAGGGCCTCGTCCAGGGGCACGCGGCCCGGC[G>A]TGTCGGGCTCGATCAAGCCGCCGGTCAGGTACTGCACCTCCAGGAAGCGCTGGCCGGCCT-3'
Protein context (NP_958786.1, residues 4392-4412): YLTGGLIEPD[Thr4402Met]PGRVPLDEAL

ClinVar aggregate classification (germline): Benign/Likely benign. Review status: criteria provided, multiple submitters, no conflicts (2 of 4 stars). 11 submissions from 11 submitters: Benign (7); Likely benign (1). 3 of the submissions do not count toward it. Last evaluated 2026-09-01.

Conditions:
Autosomal recessive limb-girdle muscular dystrophy type 2Q (LGMDR17). Also called: MUSCULAR DYSTROPHY, LIMB-GIRDLE, AUTOSOMAL RECESSIVE 17. Identifiers: Orphanet 254361, MedGen C3150989, MONDO:0013390, OMIM 613723.
Epidermolysis bullosa simplex 5C, with pyloric atresia (EBS5C). Also called: PLEC-Related Epidermolysis Bullosa with Pyloric Atresia; Epidermolysis bullosa simplex with pyloric atresia; PLEC1-Related Epidermolysis Bullosa with Pyloric Atresia. Identifiers: Orphanet 158684, MedGen C2677349, MONDO:0012807, OMIM 612138.
Epidermolysis bullosa simplex, Ogna type (EBS5A). Also called: Pidermolysis bullosa simplex 5A, Ogna type; EPIDERMOLYSIS BULLOSA SIMPLEX 5A, OGNA TYPE. Identifiers: Orphanet 79401, MedGen C0432317, MONDO:0007555, OMIM 131950.
Epidermolysis bullosa simplex with nail dystrophy (EBS5D). Identifiers: MedGen C4225309, MONDO:0014661, OMIM 616487.
Epidermolysis bullosa simplex 5B, with muscular dystrophy (EBS5B). Also called: EPIDERMOLYSIS BULLOSA SIMPLEX AND LIMB-GIRDLE MUSCULAR DYSTROPHY; Epidermolysis bullosa simplex with muscular dystrophy. Identifiers: Orphanet 257, MedGen C2931072, MONDO:0009181, OMIM 226670.

Allele frequency attached by ClinVar (database versions not stated): 1000 Genomes Project 30x 0.00812; 1000 Genomes Project 0.00819; TOPMed 0.01370; gnomAD 0.01429 and 0.01455; gnomAD exomes 0.01492 and 0.02247; ExAC 0.01525; ESP Exome Variant Server 0.01856.
gnomAD v4.1: 34,814 of 1,609,944 alleles (2.2%); highest among the groups gnomAD compares: Non-Finnish European, 2.6%; 437 homozygotes.

Submissions (11):

CeGaT Center for Human Genetics Tuebingen
Classification: Benign. Last evaluated: 2026-09-01. Review status: criteria provided, single submitter. Criteria: CeGaT Center For Human Genetics Tuebingen Variant Classification Criteria Version 2. Collection method: clinical testing. Allele origin: germline. Affected: yes. Observed: 48 variant alleles.
Comment: PLEC: BP4, BS1, BS2

Labcorp Genetics (formerly Invitae), Labcorp
Classification: Benign for Autosomal recessive limb-girdle muscular dystrophy type 2Q; Epidermolysis bullosa simplex, Ogna type; Epidermolysis bullosa simplex with nail dystrophy; Epidermolysis bullosa simplex 5C, with pyloric atresia; Epidermolysis bullosa simplex 5B, with muscular dystrophy. Last evaluated: 2026-02-03. Review status: criteria provided, single submitter. Criteria: Invitae Variant Classification Sherloc (09022015). Collection method: clinical testing. Allele origin: germline.

Blueprint Genetics
Classification: Likely benign. Last evaluated: 2024-11-26. Review status: criteria provided, single submitter. Criteria: ACMG Guidelines, 2015. Collection method: clinical testing. Allele origin: germline.

Mayo Clinic Laboratories, Mayo Clinic
Classification: Benign. Last evaluated: 2017-12-11. Review status: criteria provided, single submitter. Criteria: ACMG Guidelines, 2015. Collection method: clinical testing. Allele origin: germline. Observed: 52 variant alleles.

GeneDx
Classification: Benign. Last evaluated: 2016-03-10. Review status: criteria provided, single submitter. Criteria: GeneDx Variant Classification (06012015). Collection method: clinical testing. Allele origin: germline. Affected: yes.
Comment: This variant is considered likely benign or benign based on one or more of the following criteria: it is a conservative change, it occurs at a poorly conserved position in the protein, it is predicted to be benign by multiple in silico algorithms, and/or has population frequency not consistent with disease.

Eurofins Ntd Llc (ga)
Classification: Benign. Last evaluated: 2016-02-12. Review status: criteria provided, single submitter. Criteria: EGL Classification Definitions 2015. Collection method: clinical testing. Allele origin: germline. Observed: 2 variant alleles, 2 heterozygotes.

Laboratory for Molecular Medicine, Mass General Brigham Personalized Medicine
Classification: Benign. Last evaluated: 2015-01-13. Review status: criteria provided, single submitter. Criteria: LMM Criteria. Collection method: clinical testing. Allele origin: germline. Observed: 2 variant alleles.
Comment: p.Thr4539Met in exon 32 of PLEC: This variant is not expected to have clinical s ignificance because it has been identified in 2.6% (209/8182) of European Americ an chromosomes from a broad population by the NHLBI Exome Sequencing Project (dbSNP rs113513807).

Breakthrough Genomics
Classification: Benign. Review status: criteria provided, single submitter. Criteria: ACMG Guidelines, 2015. Collection method: not provided. Allele origin: germline. Inheritance: Autosomal recessive inheritance. Affected: yes.

Clinical Genetics, Academic Medical Center
Classification: Likely benign. Review status: no assertion criteria provided. Collection method: clinical testing. Allele origin: germline. Affected: yes. Study: VKGL Data-share Consensus. Not counted in ClinVar's aggregate classification.

Genetic Services Laboratory, University of Chicago
Classification: Likely benign for AllHighlyPenetrant. Review status: no assertion criteria provided. Collection method: clinical testing. Allele origin: germline. Inheritance: Autosomal recessive inheritance. Not counted in ClinVar's aggregate classification.
Comment: Likely benign based on allele frequency in 1000 Genomes Project or ESP global frequency and its presence in a patient with a rare or unrelated disease phenotype. NOT Sanger confirmed.

Laboratory of Diagnostic Genome Analysis, Leiden University Medical Center (LUMC)
Classification: Likely benign. Review status: no assertion criteria provided. Collection method: clinical testing. Allele origin: germline. Affected: yes. Study: VKGL Data-share Consensus. Not counted in ClinVar's aggregate classification.